The following is an entry in ClinVar:

ClinVar aggregate classification (germline): Uncertain significance (1 of 4 stars; one submission).

Conditions:
Inborn genetic diseases. Identifiers: MedGen C0950123, MeSH D030342.

Allele frequency attached by ClinVar (database versions not stated): TOPMed below 0.00001; ExAC 0.00001; gnomAD 0.00001.
gnomAD v4.1: 1 of 1,613,990 alleles (0.000062%); highest among the groups gnomAD compares: African/African-American, 0.0013%; no homozygotes.

Submission:

Ambry Genetics
Classification: Uncertain significance for Inborn genetic diseases. Last evaluated: 2023-11-22. Review status: criteria provided, single submitter. Criteria: Ambry Variant Classification Scheme 2023. Collection method: clinical testing. Allele origin: germline.
Comment: The p.T415S variant (also known as c.1243A>T), located in coding exon 5 of the ATR gene, results from an A to T substitution at nucleotide position 1243. The threonine at codon 415 is replaced by serine, an amino acid with similar properties. This amino acid position is conserved. In addition, this alteration is predicted to be tolerated by in silico analysis. Since supporting evidence is limited at this time, the clinical significance of this alteration remains unclear.

NM_001184.4(ATR):c.1243A>T (p.Thr415Ser)

Gene: ATR (ATR checkpoint kinase; minus strand). Cytogenetic location: 3q23.
Variant type: single nucleotide variant.
Coding change: c.1243A>T on transcript NM_001184.4 (MANE Select); coding-DNA position 1243, A replaced by T.
Protein change: p.Thr415Ser; replaces threonine 415 with serine.
Molecular consequence: missense variant.
Genome position (GRCh38, 1-based): chr3:142,561,349, T>A on the plus strand (A>T on the coding strand, the complement: ATR is on the minus strand). VCF-style: chr3-142561349-T-A. GRCh37 (hg19) VCF-style: chr3-142280191-T-A.
Other names: c.1243A>T, p.Thr415Ser (NM_001354579.2); short protein forms T415S.
Identifiers: ClinVar variation 3221040 (VCV003221040.1), dbSNP rs781738368, ClinGen allele CA2650644.